The following is an entry in ClinVar:

ClinVar aggregate classification (germline): Uncertain significance (1 of 4 stars; one submission).

Conditions:
Hereditary cancer-predisposing syndrome. Also called: Hereditary neoplastic syndrome; Hereditary Cancer Syndrome; Neoplastic Syndromes, Hereditary; Tumor predisposition. Identifiers: Orphanet 140162, MedGen C0027672, MeSH D009386, MONDO:0015356.

Submission:

Ambry Genetics
Classification: Uncertain significance for Hereditary cancer-predisposing syndrome. Last evaluated: 2023-05-14. Review status: criteria provided, single submitter. Criteria: Ambry Variant Classification Scheme 2023. Collection method: clinical testing. Allele origin: germline.
Comment: The p.S2352R variant (also known as c.7054A>C), located in coding exon 15 of the APC gene, results from an A to C substitution at nucleotide position 7054. The serine at codon 2352 is replaced by arginine, an amino acid with dissimilar properties. This amino acid position is conserved. In addition, in silico predictors for this gene do not accurately predict pathogenicity. Since supporting evidence is limited at this time, the clinical significance of this alteration remains unclear.

NM_000038.6(APC):c.7054A>C (p.Ser2352Arg)

Gene: APC (APC regulator of Wnt signaling pathway; plus strand). Cytogenetic location: 5q22.2.
Variant type: single nucleotide variant.
Coding change: c.7054A>C on transcript NM_000038.6 (MANE Select); coding-DNA position 7054, A replaced by C.
Protein change: p.Ser2352Arg; replaces serine 2352 with arginine.
Molecular consequence: missense variant. On other transcripts: non-coding transcript variant (2).
Genome position (GRCh38, 1-based): chr5:112,842,648, A>C. VCF-style: chr5-112842648-A-C. GRCh37 (hg19) VCF-style: chr5-112178345-A-C.
Other names: c.7054A>C, p.Ser2352Arg (NM_001127510.3, NM_001354895.2, NM_001407450.1); c.7000A>C, p.Ser2334Arg (NM_001127511.3); c.7108A>C, p.Ser2370Arg (NM_001354896.2, NM_001407447.1, NM_001407448.1 and 1 more transcripts); c.7084A>C, p.Ser2362Arg (NM_001354897.2); c.6979A>C, p.Ser2327Arg (NM_001354898.2); c.6970A>C, p.Ser2324Arg (NM_001354899.2); c.6931A>C, p.Ser2311Arg (NM_001354900.2); c.6877A>C, p.Ser2293Arg (NM_001354901.2, NM_001407453.1); and 11 more; short protein forms S2226R, S2251R, S2269R, S2324R, S2327R, S2334R, S2342R, S2345R.
Identifiers: ClinVar variation 2567041 (VCV002567041.2), dbSNP rs764311778, ClinGen allele CA16036701.